The following is an entry in ClinVar:

NM_002529.4(NTRK1):c.1659_1660dup (p.Arg554fs)

Gene: NTRK1 (neurotrophic receptor tyrosine kinase 1; plus strand). Cytogenetic location: 1q23.1.
Variant type: Duplication.
Coding change: c.1659_1660dup on transcript NM_002529.4 (MANE Select); coding-DNA positions 1659 to 1660, 2 bases duplicated (TC; older notation c.1659_1660dupTC).
Protein change: p.Arg554fs; shifts the reading frame from arginine 554.
Molecular consequence: frameshift variant.
Genome position (GRCh38, 1-based): chr1:156,876,426-156,876,427, TC duplicated; duplicating any 2 consecutive bases within chr1:156,876,425-156,876,427 gives the same sequence; the c. name uses the placement nearest the transcript's 3' end. VCF-style (leftmost placement, unchanged base first): chr1-156876424-G-GCT. GRCh37 (hg19) VCF-style: chr1-156846216-G-GCT.
Other names: c.1551_1552dup, p.Arg518fs (NM_001007792.1); c.1641_1642dup, p.Arg548fs (NM_001012331.2); short protein forms R518fs, R554fs, R548fs.
Identifiers: ClinVar variation 3687096 (VCV003687096.2).

ClinVar aggregate classification (germline): Pathogenic (1 of 4 stars; one submission).

Conditions:
Hereditary insensitivity to pain with anhidrosis (CIPA). Also called: NTRK1 Congenital Insensitivity to Pain with Anhidrosis; NEUROPATHY, CONGENITAL SENSORY, WITH ANHIDROSIS; HSAN Type IV; INSENSITIVITY TO PAIN, CONGENITAL, WITH ANHIDROSIS; FAMILIAL DYSAUTONOMIA, TYPE II; hereditary sensory and autonomic neuropathy type 4. Identifiers: Orphanet 642, MedGen C0020074, MONDO:0009746, OMIM 256800.

Submission:

Labcorp Genetics (formerly Invitae), Labcorp
Classification: Pathogenic for Hereditary insensitivity to pain with anhidrosis. Last evaluated: 2025-01-21. Review status: criteria provided, single submitter. Criteria: Invitae Variant Classification Sherloc (09022015). Collection method: clinical testing. Allele origin: germline.
Comment: This sequence change creates a premature translational stop signal (p.Arg548Leufs*105) in the NTRK1 gene. It is expected to result in an absent or disrupted protein product. Loss-of-function variants in NTRK1 are known to be pathogenic (PMID: 10982191). This variant is not present in population databases (gnomAD no frequency). This variant has not been reported in the literature in individuals affected with NTRK1-related conditions. For these reasons, this variant has been classified as Pathogenic.

Literature cited by the submitters: PubMed 10982191.